The following is an entry in ClinVar:

NM_005045.4(RELN):c.2351C>T (p.Thr784Met)

Gene: RELN (reelin; minus strand). Cytogenetic location: 7q22.1.
Variant type: single nucleotide variant.
Coding change: c.2351C>T on transcript NM_005045.4 (MANE Select); coding-DNA position 2351, C replaced by T.
Protein change: p.Thr784Met; replaces threonine 784 with methionine.
Molecular consequence: missense variant.
Genome position (GRCh38, 1-based): chr7:103,635,539, G>A on the plus strand (C>T on the coding strand, the complement: RELN is on the minus strand). VCF-style: chr7-103635539-G-A. GRCh37 (hg19) VCF-style: chr7-103275986-G-A.
Other names: c.2351C>T, p.Thr784Met (NM_173054.3); short protein forms T784M.
Identifiers: ClinVar variation 998558 (VCV000998558.9), dbSNP rs144235468, ClinGen allele CA4422010.
Genomic context (GRCh38, chr7:103,635,539, plus strand): 5'-CCATTATCATAAGAATAATGCAACAAAACTCCTTCACCAGGCTGATCAGGGGCTCTGCAC[G>A]TGCTCAGAACAGATTTGCTCCCCAGTCTCAGTGTGAACTGGAGAAACCTAGACAGAAATT-3'
Protein context (NP_005036.2, residues 774-794): LRLGSKSVLS[Thr784Met]CRAPDQPGEG

ClinVar aggregate classification (germline): Uncertain significance. Review status: criteria provided, multiple submitters, no conflicts (2 of 4 stars). 2 submissions from 2 submitters: Uncertain significance (2). Last evaluated 2025-11-17.

Conditions:
Familial temporal lobe epilepsy 7. Identifiers: Orphanet 101046, MedGen C4225327, MONDO:0014639, OMIM 616436.
Norman-Roberts syndrome (LIS2). Also called: Lissencephaly 2 (Norman-Roberts type). Identifiers: Orphanet 89844, MedGen C0796089, MONDO:0009760, OMIM 257320.

Allele frequency attached by ClinVar (database versions not stated): gnomAD 0.00001; TOPMed 0.00002; ESP Exome Variant Server 0.00008.
gnomAD v4.1: 39 of 1,613,744 alleles (0.0024%); highest among the groups gnomAD compares: African/African-American, 0.004%; no homozygotes.

Submissions (2):

Labcorp Genetics (formerly Invitae), Labcorp
Classification: Uncertain significance for Familial temporal lobe epilepsy 7; Norman-Roberts syndrome. Last evaluated: 2025-11-17. Review status: criteria provided, single submitter. Criteria: Invitae Variant Classification Sherloc (09022015). Collection method: clinical testing. Allele origin: germline.
Comment: This sequence change replaces threonine, which is neutral and polar, with methionine, which is neutral and non-polar, at codon 784 of the RELN protein (p.Thr784Met). This variant is present in population databases (rs144235468, gnomAD 0.007%). This variant has not been reported in the literature in individuals affected with RELN-related conditions. ClinVar contains an entry for this variant (Variation ID: 998558). Invitae Evidence Modeling of protein sequence and biophysical properties (such as structural, functional, and spatial information, amino acid conservation, physicochemical variation, residue mobility, and thermodynamic stability) indicates that this missense variant is not expected to disrupt RELN protein function with a negative predictive value of 80%. In summary, the available evidence is currently insufficient to determine the role of this variant in disease. Therefore, it has been classified as a Variant of Uncertain Significance.

Blueprint Genetics
Classification: Uncertain significance. Last evaluated: 2022-07-08. Review status: criteria provided, single submitter. Criteria: ACMG Guidelines, 2015. Collection method: clinical testing. Allele origin: germline.